The following is an entry in ClinVar:

NM_001205293.3(CACNA1E):c.3227A>G (p.Asp1076Gly)

Gene: CACNA1E (calcium voltage-gated channel subunit alpha1 E; plus strand). Cytogenetic location: 1q25.3.
Variant type: single nucleotide variant.
Coding change: c.3227A>G on transcript NM_001205293.3 (MANE Select); coding-DNA position 3227, A replaced by G.
Protein change: p.Asp1076Gly; replaces aspartic acid 1076 with glycine.
Molecular consequence: missense variant.
Genome position (GRCh38, 1-based): chr1:181,733,715, A>G. VCF-style: chr1-181733715-A-G. GRCh37 (hg19) VCF-style: chr1-181702851-A-G.
Other names: c.3227A>G, p.Asp1076Gly (NM_000721.4); c.3170A>G, p.Asp1057Gly (NM_001205294.2); short protein forms D1057G, D1076G.
Identifiers: ClinVar variation 4850829 (VCV004850829.1).
Genomic context (GRCh38, chr1:181,733,715, plus strand): 5'-TCACGGCCAACACGGACAAGGCCACCACCGAGAGCACCAGCGTCACCGTCGCCATCCCCG[A>G]CGTGGACCCCTTGGTGGACTCAACCGTGGTGCACAGTGAGAGCACAGTCCCTGTTCCCCT-3'
Protein context (NP_001192222.1, residues 1066-1086): ESTSVTVAIP[Asp1076Gly]VDPLVDSTVV

ClinVar aggregate classification (germline): Likely pathogenic (1 of 4 stars; one submission).

Conditions:
Developmental and epileptic encephalopathy, 69. Also called: EPILEPTIC ENCEPHALOPATHY, EARLY INFANTILE, 69. Identifiers: MedGen C4748988, MONDO:0032657, OMIM 618285.

Submission:

Greenwood Genetic Center Diagnostic Laboratories, Greenwood Genetic Center
Classification: Likely pathogenic for Developmental and epileptic encephalopathy, 69. Last evaluated: 2025-03-13. Review status: criteria provided, single submitter. Criteria: ACMG Guidelines, 2015. Collection method: clinical testing. Allele origin: germline. Affected: yes.
Comment: PS2, PM2, PP2